The following is an entry in ClinVar:

ClinVar aggregate classification (germline): Likely benign. Review status: criteria provided, multiple submitters, no conflicts (2 of 4 stars). 3 submissions from 3 submitters: Likely benign (3). Last evaluated 2026-03-27.

Conditions:
Cardiovascular phenotype. Identifiers: MedGen CN230736.
Myofibrillar myopathy 5. Also called: Filaminopathy (type); FILAMINOPATHY, AUTOSOMAL DOMINANT. Identifiers: Orphanet 171445, MedGen C1836050, MONDO:0012289, OMIM 609524.
Hypertrophic cardiomyopathy 26. Also called: Cardiomyopathy, familial hypertrophic, 26. Identifiers: Orphanet 75249, MedGen C4310749, MONDO:0014883, OMIM 617047.
Distal myopathy with posterior leg and anterior hand involvement. Also called: WILLIAMS DISTAL MYOPATHY. Identifiers: Orphanet 63273, MedGen C3279722, MONDO:0013550, OMIM 614065.

gnomAD v4.1: 2 of 1,613,774 alleles (0.00012%); highest among the groups gnomAD compares: African/African-American, 0.0013%; no homozygotes.

Submissions (3):

Molecular Diagnostic Laboratory for Inherited Cardiovascular Disease, Montreal Heart Institute
Classification: Likely benign. Last evaluated: 2026-03-27. Review status: criteria provided, single submitter. Criteria: ACMG Guidelines, 2015. Collection method: clinical testing. Allele origin: germline. Affected: no.
Comment: BP7

Labcorp Genetics (formerly Invitae), Labcorp
Classification: Likely benign for Distal myopathy with posterior leg and anterior hand involvement; Myofibrillar myopathy 5; Hypertrophic cardiomyopathy 26. Last evaluated: 2026-01-14. Review status: criteria provided, single submitter. Criteria: Invitae Variant Classification Sherloc (09022015). Collection method: clinical testing. Allele origin: germline.

Ambry Genetics
Classification: Likely benign for Cardiovascular phenotype. Last evaluated: 2025-04-24. Review status: criteria provided, single submitter. Criteria: Ambry Variant Classification Scheme 2023. Collection method: clinical testing. Allele origin: germline.

NM_001458.5(FLNC):c.2199C>T (p.Thr733=)

Gene: FLNC (filamin C; plus strand). Cytogenetic location: 7q32.1.
Variant type: single nucleotide variant.
Coding change: c.2199C>T on transcript NM_001458.5 (MANE Select); coding-DNA position 2199, C replaced by T.
Protein change: p.Thr733=; no amino-acid change (threonine 733 retained).
Molecular consequence: synonymous variant.
Genome position (GRCh38, 1-based): chr7:128,842,308, C>T. VCF-style: chr7-128842308-C-T. GRCh37 (hg19) VCF-style: chr7-128482362-C-T.
Other names: c.2199C>T, p.Thr733= (NM_001127487.2); c.2199C>T (NM_001458.4).
Identifiers: ClinVar variation 1622254 (VCV001622254.10), dbSNP rs200655185, ClinGen allele CA4474636.